The following is an entry in ClinVar:

ClinVar aggregate classification (germline): Uncertain significance (1 of 4 stars; one submission).

Conditions:
Multiple endocrine neoplasia, type 2 (MEN2). Identifiers: Orphanet 653, MedGen C4048306, MONDO:0019003. Disease mechanism: gain of function.

Submission:

Labcorp Genetics (formerly Invitae), Labcorp
Classification: Uncertain significance for Multiple endocrine neoplasia, type 2. Last evaluated: 2025-11-12. Review status: criteria provided, single submitter. Criteria: Invitae Variant Classification Sherloc (09022015). Collection method: clinical testing. Allele origin: germline.
Comment: This sequence change replaces lysine, which is basic and polar, with glutamic acid, which is acidic and polar, at codon 965 of the RET protein (p.Lys965Glu). This variant is not present in population databases (gnomAD no frequency). This variant has not been reported in the literature in individuals affected with RET-related conditions. An algorithm developed to predict the effect of missense changes on protein structure and function (PolyPhen-2) suggests that this variant is likely to be disruptive. In summary, the available evidence is currently insufficient to determine the role of this variant in disease. Therefore, it has been classified as a Variant of Uncertain Significance.

NM_020975.6(RET):c.2893A>G (p.Lys965Glu)

Gene: RET (ret proto-oncogene; plus strand). Cytogenetic location: 10q11.21.
Variant type: single nucleotide variant.
Coding change: c.2893A>G on transcript NM_020975.6 (MANE Select); coding-DNA position 2893, A replaced by G.
Protein change: p.Lys965Glu; replaces lysine 965 with glutamic acid.
Molecular consequence: missense variant.
Genome position (GRCh38, 1-based): chr10:43,123,762, A>G. VCF-style: chr10-43123762-A-G. GRCh37 (hg19) VCF-style: chr10-43619210-A-G.
Other names: c.2131A>G, p.Lys711Glu (NM_001355216.2); c.2893A>G, p.Lys965Glu (NM_001406743.1, NM_001406744.1, NM_001406759.1 and 2 more transcripts); c.2764A>G, p.Lys922Glu (NM_001406761.1, NM_001406762.1, NM_001406764.1); c.2758A>G, p.Lys920Glu (NM_001406763.1, NM_001406765.1); c.2605A>G, p.Lys869Glu (NM_001406766.1, NM_001406767.1, NM_001406770.1); c.2629A>G, p.Lys877Glu (NM_001406768.1); c.2497A>G, p.Lys833Glu (NM_001406769.1, NM_001406772.1); c.2455A>G, p.Lys819Glu (NM_001406771.1, NM_001406773.1); and 10 more; short protein forms K482E, K530E, K570E, K621E, K623E, K626E, K635E, K666E.
Identifiers: ClinVar variation 4796857 (VCV004796857.1).